The following is an entry in ClinVar:

ClinVar aggregate classification (germline): Conflicting classifications of pathogenicity. Review status: criteria provided, conflicting classifications (1 of 4 stars). 3 submissions from 3 submitters: Uncertain significance (1); Benign (1); Likely benign (1). Last evaluated 2025-05-30.

Conditions:
Inborn genetic diseases. Identifiers: MedGen C0950123, MeSH D030342.
Cornelia de Lange syndrome 1 (CDLS1). Also called: NIPBL-Related Cornelia de Lange Syndrome; Brachmann de Lange syndrome; TYPUS DEGENERATIVUS AMSTELODAMENSIS. Identifiers: Orphanet 199, MedGen C4551851, MONDO:0007387, OMIM 122470.

Allele frequency attached by ClinVar (database versions not stated): ExAC 0.00001; TOPMed 0.00002; gnomAD 0.00003 and 0.00004; ESP Exome Variant Server 0.00008.
gnomAD v4.1: 36 of 1,610,400 alleles (0.0022%); highest among the groups gnomAD compares: Non-Finnish European, 0.0026%; no homozygotes.

Submissions (3):

Labcorp Genetics (formerly Invitae), Labcorp
Classification: Benign for Cornelia de Lange syndrome 1. Last evaluated: 2025-05-30. Review status: criteria provided, single submitter. Criteria: Invitae Variant Classification Sherloc (09022015). Collection method: clinical testing. Allele origin: germline.

Ambry Genetics
Classification: Likely benign for Inborn genetic diseases. Last evaluated: 2023-12-20. Review status: criteria provided, single submitter. Criteria: Ambry Variant Classification Scheme 2023. Collection method: clinical testing. Allele origin: germline.

GeneDx
Classification: Uncertain significance. Last evaluated: 2021-08-16. Review status: criteria provided, single submitter. Criteria: GeneDx Variant Classification Process June 2021. Collection method: clinical testing. Allele origin: germline. Affected: yes.
Comment: In silico analysis supports that this missense variant has a deleterious effect on protein structure/function; Has not been previously published as pathogenic or benign to our knowledge

NM_133433.4(NIPBL):c.4906C>T (p.Arg1636Cys)

Gene: NIPBL (NIPBL cohesin loading factor; plus strand). Cytogenetic location: 5p13.2.
Variant type: single nucleotide variant.
Coding change: c.4906C>T on transcript NM_133433.4 (MANE Select); coding-DNA position 4906, C replaced by T.
Protein change: p.Arg1636Cys; replaces arginine 1636 with cysteine.
Molecular consequence: missense variant.
Genome position (GRCh38, 1-based): chr5:37,017,148, C>T. VCF-style: chr5-37017148-C-T. GRCh37 (hg19) VCF-style: chr5-37017250-C-T.
Other names: c.4906C>T, p.Arg1636Cys (NM_015384.5); short protein forms R1636C.
Identifiers: ClinVar variation 1254554 (VCV001254554.6), dbSNP rs149451089, ClinGen allele CA3236647.